The following is an entry in ClinVar:

ClinVar aggregate classification (germline): Pathogenic (1 of 4 stars; one submission).

Conditions:
Primary ciliary dyskinesia 16. Also called: CILIARY DYSKINESIA, PRIMARY, 16, WITH OR WITHOUT SITUS INVERSUS. Identifiers: Orphanet 244, MedGen C3151460, MONDO:0013525, OMIM 614017.

Submission:

Labcorp Genetics (formerly Invitae), Labcorp
Classification: Pathogenic for Primary ciliary dyskinesia 16. Last evaluated: 2021-08-04. Review status: criteria provided, single submitter. Criteria: Invitae Variant Classification Sherloc (09022015). Collection method: clinical testing. Allele origin: germline.
Comment: This variant is a gross deletion of the genomic region encompassing exon(s) 5 of the DNAL1 gene. This deletion is out-of-frame, and is expected to create a premature translational stop signal and result in an absent or disrupted protein product. Loss-of-function variants in DNAL1 are known to be pathogenic (PMID: 21496787). A similar copy number variant has been observed in individual(s) with clinical features of primary ciliary dyskinesia (Invitae). For these reasons, this variant has been classified as Pathogenic.

Literature cited by the submitters: PubMed 21496787.

NC_000014.9:g.(?_73671522)_(73671617_?)del

Gene: DNAL1 (dynein axonemal light chain 1; plus strand). Cytogenetic location: 14q24.3.
Variant type: Deletion.
Identifiers: ClinVar variation 662859 (VCV000662859.7).